The following is an entry in ClinVar:

NM_173628.4(DNAH17):c.1463G>A (p.Arg488His)

Gene: DNAH17 (dynein axonemal heavy chain 17; minus strand). Cytogenetic location: 17q25.3.
Variant type: single nucleotide variant.
Coding change: c.1463G>A on transcript NM_173628.4 (MANE Select); coding-DNA position 1463, G replaced by A.
Protein change: p.Arg488His; replaces arginine 488 with histidine.
Molecular consequence: missense variant.
Genome position (GRCh38, 1-based): chr17:78,566,720, C>T on the plus strand (G>A on the coding strand, the complement: DNAH17 is on the minus strand). VCF-style: chr17-78566720-C-T. GRCh37 (hg19) VCF-style: chr17-76562802-C-T.
Other names: short protein forms R488H.
Identifiers: ClinVar variation 3056360 (VCV003056360.2), dbSNP rs112807670, ClinGen allele CA8805152.
Genomic context (GRCh38, chr17:78,566,720, plus strand): 5'-AAGATCGTGGCCAGCCTCCTATCCAGGTCTTGGATTTTGATCTCAAAATCAGCATAATCA[C>T]GGTCAAAATTCTAAAAGCAAATGGAAATGTCAACCTTGTAATCAGCGTGCAAAGCAAGCC-3'
Protein context (NP_775899.3, residues 478-498): PLDPGDSNFD[Arg488His]DYADFEIKIQ

ClinVar aggregate classification (germline): Benign (0 of 4 stars; one submission).

Conditions:
DNAH17-related disorder. Also called: DNAH17-related condition.

Allele frequency attached by ClinVar (database versions not stated): ExAC 0.00620; gnomAD 0.01327; TOPMed 0.01486; 1000 Genomes Project 0.01577; ESP Exome Variant Server 0.01615; 1000 Genomes Project 30x 0.01624.
gnomAD v4.1: 3,979 of 1,601,632 alleles (0.25%); highest among the groups gnomAD compares: African/African-American, 4.4%; 85 homozygotes.

Submission:

PreventionGenetics, part of Exact Sciences
Classification: Benign for DNAH17-related condition. Last evaluated: 2024-08-17. Review status: no assertion criteria provided. Collection method: clinical testing. Allele origin: germline.
Comment: This variant is classified as benign based on ACMG/AMP sequence variant interpretation guidelines (Richards et al. 2015 PMID: 25741868, with internal and published modifications).